The following is an entry in ClinVar:

NM_020738.4(KIDINS220):c.2701C>T (p.Arg901Trp)

Gene: KIDINS220 (kinase D interacting substrate 220; minus strand). Cytogenetic location: 2p25.1.
Variant type: single nucleotide variant.
Coding change: c.2701C>T on transcript NM_020738.4 (MANE Select); coding-DNA position 2701, C replaced by T.
Protein change: p.Arg901Trp; replaces arginine 901 with tryptophan.
Molecular consequence: missense variant. On other transcripts: non-coding transcript variant (2).
Genome position (GRCh38, 1-based): chr2:8,778,641, G>A on the plus strand (C>T on the coding strand, the complement: KIDINS220 is on the minus strand). VCF-style: chr2-8778641-G-A. GRCh37 (hg19) VCF-style: chr2-8918771-G-A.
Other names: c.2704C>T, p.Arg902Trp (NM_001348729.2, NM_001348731.2, NM_001348734.2 and 3 more transcripts); c.2701C>T, p.Arg901Trp (NM_001348732.2, NM_001348735.2, NM_001348738.2 and 3 more transcripts); c.2575C>T, p.Arg859Trp (NM_001348736.2); short protein forms R859W, R901W, R902W.
Identifiers: ClinVar variation 2629065 (VCV002629065.3), dbSNP rs372110208, ClinGen allele CA1519917.

ClinVar aggregate classification (germline): Uncertain significance. Review status: criteria provided, single submitter (1 of 4 stars). 2 submissions from 2 submitters: Uncertain significance (1). 1 of the submissions does not count toward it. Last evaluated 2023-11-28.

Conditions:
KIDINS220-related disorder. Also called: KIDINS220-related condition.
Inborn genetic diseases. Identifiers: MedGen C0950123, MeSH D030342.

Allele frequency attached by ClinVar (database versions not stated): gnomAD exomes 0.00001; ExAC 0.00002; gnomAD 0.00002; TOPMed 0.00002; ESP Exome Variant Server 0.00008.
gnomAD v4.1: 17 of 1,608,508 alleles (0.0011%); highest among the groups gnomAD compares: Middle Eastern, 0.016%; no homozygotes.

Submissions (2):

Ambry Genetics
Classification: Uncertain significance for Inborn genetic diseases. Last evaluated: 2023-11-28. Review status: criteria provided, single submitter. Criteria: Ambry Variant Classification Scheme 2023. Collection method: clinical testing. Allele origin: germline.

PreventionGenetics, part of Exact Sciences
Classification: Uncertain significance for KIDINS220-related condition. Last evaluated: 2024-09-13. Review status: no assertion criteria provided. Collection method: clinical testing. Allele origin: germline. Not counted in ClinVar's aggregate classification.
Comment: The KIDINS220 c.2701C>T variant is predicted to result in the amino acid substitution p.Arg901Trp. To our knowledge, this variant has not been reported in the literature. This variant is reported in 0.0051% of alleles in individuals of East Asian descent in gnomAD. At this time, the clinical significance of this variant is uncertain due to the absence of conclusive functional and genetic evidence.